The following is an entry in ClinVar:

ClinVar aggregate classification (germline): Uncertain significance (1 of 4 stars; one submission).

Conditions:
SEMA3B-related disorder. Also called: SEMA3B-related condition.

Allele frequency attached by ClinVar (database versions not stated): gnomAD exomes below 0.00001; gnomAD 0.00001; TOPMed 0.00001; ExAC 0.00002; 1000 Genomes Project 30x 0.00031.

Submission:

PreventionGenetics, part of Exact Sciences
Classification: Uncertain significance for SEMA3B-related condition. Last evaluated: 2025-03-27. Review status: criteria provided, single submitter. Criteria: ACMG Guidelines, 2015. Collection method: clinical testing. Allele origin: germline.
Comment: The SEMA3B c.1126C>T variant is predicted to result in the amino acid substitution p.Arg376Cys. To our knowledge, this variant has not been reported in the literature. This variant is reported in 0.0051% of alleles in individuals of East Asian descent in gnomAD. At this time, the clinical significance of this variant is uncertain due to the absence of conclusive functional and genetic evidence.

NM_001290060.2(SEMA3B):c.1111C>T (p.Arg371Cys)

Gene: SEMA3B (semaphorin 3B; plus strand). Cytogenetic location: 3p21.31.
Variant type: single nucleotide variant.
Coding change: c.1111C>T on transcript NM_001290060.2 (MANE Select); coding-DNA position 1111, C replaced by T.
Protein change: p.Arg371Cys; replaces arginine 371 with cysteine.
Molecular consequence: missense variant.
Genome position (GRCh38, 1-based): chr3:50,274,031, C>T. VCF-style: chr3-50274031-C-T. GRCh37 (hg19) VCF-style: chr3-50311462-C-T.
Other names: c.1108C>T, p.Arg370Cys (NM_001005914.3); c.1126C>T, p.Arg376Cys (NM_001290061.1); c.82C>T, p.Arg28Cys (NM_001290062.2, NM_001290063.2); c.1111C>T, p.Arg371Cys (NM_004636.4); short protein forms R28C, R370C, R371C, R376C.
Identifiers: ClinVar variation 2629488 (VCV002629488.2), dbSNP rs782216713, ClinGen allele CA2413955.